The following is an entry in ClinVar:

NM_001999.4(FBN2):c.6185A>G (p.Glu2062Gly)

Gene: FBN2 (fibrillin 2; minus strand). Cytogenetic location: 5q23.3.
Variant type: single nucleotide variant.
Coding change: c.6185A>G on transcript NM_001999.4 (MANE Select); coding-DNA position 6185, A replaced by G.
Protein change: p.Glu2062Gly; replaces glutamic acid 2062 with glycine.
Molecular consequence: missense variant.
Genome position (GRCh38, 1-based): chr5:128,291,636, T>C on the plus strand (A>G on the coding strand, the complement: FBN2 is on the minus strand). VCF-style: chr5-128291636-T-C. GRCh37 (hg19) VCF-style: chr5-127627328-T-C.
Other names: short protein forms E2062G.
Identifiers: ClinVar variation 1752080 (VCV001752080.2), dbSNP rs2479684593, ClinGen allele CA360764558.

ClinVar aggregate classification (germline): Uncertain significance (1 of 4 stars; one submission).

Conditions:
Familial thoracic aortic aneurysm and aortic dissection (TAAD). Also called: Thoracic aortic aneurysms and dissections. Identifiers: Orphanet 91387, MedGen C4707243, MONDO:0019625.

Allele frequency attached by ClinVar (database versions not stated): gnomAD exomes below 0.00001.
gnomAD v4.1: 1 of 1,613,592 alleles (0.000062%); highest among the groups gnomAD compares: East Asian, 0.0022%; no homozygotes.

Submission:

Ambry Genetics
Classification: Uncertain significance for Familial thoracic aortic aneurysm and aortic dissection. Last evaluated: 2021-02-09. Review status: criteria provided, single submitter. Criteria: Ambry Variant Classification Scheme 2023. Collection method: clinical testing. Allele origin: germline.
Comment: The p.E2062G variant (also known as c.6185A>G), located in coding exon 49 of the FBN2 gene, results from an A to G substitution at nucleotide position 6185. The glutamic acid at codon 2062 is replaced by glycine, an amino acid with similar properties. This amino acid position is well conserved in available vertebrate species. In addition, the in silico prediction for this alteration is inconclusive. Since supporting evidence is limited at this time, the clinical significance of this alteration remains unclear.